The following is an entry in ClinVar:

NM_002133.3(HMOX1):c.322A>G (p.Thr108Ala)

Gene: HMOX1 (heme oxygenase 1; plus strand). Cytogenetic location: 22q12.3.
Variant type: single nucleotide variant.
Coding change: c.322A>G on transcript NM_002133.3 (MANE Select); coding-DNA position 322, A replaced by G.
Protein change: p.Thr108Ala; replaces threonine 108 with alanine.
Molecular consequence: missense variant.
Genome position (GRCh38, 1-based): chr22:35,386,862, A>G. VCF-style: chr22-35386862-A-G. GRCh37 (hg19) VCF-style: chr22-35782855-A-G.
Other names: c.322A>G (NM_002133.2); short protein forms T108A.
Identifiers: ClinVar variation 1501865 (VCV001501865.4), dbSNP rs376132596, ClinGen allele CA323521699.

ClinVar aggregate classification (germline): Uncertain significance. Review status: criteria provided, multiple submitters, no conflicts (2 of 4 stars). 2 submissions from 2 submitters: Uncertain significance (2). Last evaluated 2025-04-11.

Allele frequency attached by ClinVar (database versions not stated): ESP Exome Variant Server 0.00008; TOPMed 0.00002.
gnomAD v4.1: 21 of 1,614,162 alleles (0.0013%); highest among the groups gnomAD compares: Non-Finnish European, 0.0018%; no homozygotes.

Submissions (2):

Ambry Genetics
Classification: Uncertain significance. Last evaluated: 2025-04-11. Review status: criteria provided, single submitter. Criteria: Ambry Variant Classification Scheme 2023. Collection method: clinical testing. Allele origin: germline.

Labcorp Genetics (formerly Invitae), Labcorp
Classification: Uncertain significance. Last evaluated: 2022-07-05. Review status: criteria provided, single submitter. Criteria: Invitae Variant Classification Sherloc (09022015). Collection method: clinical testing. Allele origin: germline.
Comment: This sequence change replaces threonine, which is neutral and polar, with alanine, which is neutral and non-polar, at codon 108 of the HMOX1 protein (p.Thr108Ala). This variant is not present in population databases (gnomAD no frequency). This variant has not been reported in the literature in individuals affected with HMOX1-related conditions. ClinVar contains an entry for this variant (Variation ID: 1501865). Algorithms developed to predict the effect of missense changes on protein structure and function (SIFT, PolyPhen-2, Align-GVGD) all suggest that this variant is likely to be tolerated. In summary, the available evidence is currently insufficient to determine the role of this variant in disease. Therefore, it has been classified as a Variant of Uncertain Significance.